The following is an entry in ClinVar:

ClinVar aggregate classification (germline): Benign/Likely benign. Review status: criteria provided, multiple submitters, no conflicts (2 of 4 stars). 4 submissions from 4 submitters: Benign (1); Likely benign (3). Last evaluated 2025-03-04.

Conditions:
Hereditary nonpolyposis colorectal neoplasms. Identifiers: MedGen C0009405, MeSH D003123.
Hereditary cancer-predisposing syndrome. Also called: Hereditary Cancer Syndrome; Hereditary neoplastic syndrome; Neoplastic Syndromes, Hereditary; Tumor predisposition. Identifiers: Orphanet 140162, MedGen C0027672, MeSH D009386, MONDO:0015356.
Lynch syndrome 4 (LYNCH4). Also called: Colorectal cancer, hereditary nonpolyposis, type 4; Hereditary non-polyposis colorectal cancer, type 4. Identifiers: Orphanet 144, MedGen C1838333, MONDO:0013699, OMIM 614337. Disease mechanism: loss of function.

Submissions (4):

Center for Genomic Medicine, Rigshospitalet, Copenhagen University Hospital
Classification: Likely benign. Last evaluated: 2025-03-04. Review status: criteria provided, single submitter. Criteria: ACMG Guidelines, 2015. Collection method: clinical testing. Allele origin: germline.

Myriad Genetics, Inc.
Classification: Benign for Lynch syndrome 4. Last evaluated: 2025-01-27. Review status: criteria provided, single submitter. Criteria: Myriad Autosomal Dominant, Autosomal Recessive and X-Linked Classification Criteria (2023). Collection method: clinical testing. Allele origin: unknown.
Comment: This variant is considered benign. This variant is a silent/synonymous amino acid change and it is not expected to impact splicing.

Labcorp Genetics (formerly Invitae), Labcorp
Classification: Likely benign for Hereditary nonpolyposis colorectal neoplasms. Last evaluated: 2023-12-10. Review status: criteria provided, single submitter. Criteria: Invitae Variant Classification Sherloc (09022015). Collection method: clinical testing. Allele origin: germline.

Color Diagnostics, LLC DBA Color Health
Classification: Likely benign for Hereditary cancer-predisposing syndrome. Last evaluated: 2019-11-08. Review status: criteria provided, single submitter. Criteria: ACMG Guidelines, 2015. Collection method: clinical testing. Allele origin: germline.

NM_000535.7(PMS2):c.576T>C (p.Cys192=)

Gene: PMS2 (PMS1 homolog 2, mismatch repair system component; minus strand). Cytogenetic location: 7p22.1.
Variant type: single nucleotide variant.
Coding change: c.576T>C on transcript NM_000535.7 (MANE Select); coding-DNA position 576, T replaced by C.
Protein change: p.Cys192=; no amino-acid change (cysteine 192 retained).
Molecular consequence: synonymous variant. On other transcripts: non-coding transcript variant (1), intron variant (3).
Genome position (GRCh38, 1-based): chr7:5,999,237, A>G on the plus strand (T>C on the coding strand, the complement: PMS2 is on the minus strand). VCF-style: chr7-5999237-A-G. GRCh37 (hg19) VCF-style: chr7-6038868-A-G.
Other names: c.171T>C, p.Cys57= (NM_001322003.2, NM_001322004.2, NM_001322005.2 and 2 more transcripts); c.576T>C, p.Cys192= (NM_001322006.2, NM_001322014.2); c.258T>C, p.Cys86= (NM_001322007.2, NM_001322008.2); c.267T>C, p.Cys89= (NM_001322015.2); c.133-1814T>C (NM_001322013.2); c.-347-11T>C (NM_001322012.2, NM_001322011.2).
Identifiers: ClinVar variation 455730 (VCV000455730.15), dbSNP rs1554302497, ClinGen allele CA453647241.